The following is an entry in ClinVar:

NM_032581.4(HYCC1):c.22G>A (p.Val8Ile)

Gene: HYCC1 (hyccin PI4KA lipid kinase complex subunit 1; minus strand). Cytogenetic location: 7p15.3.
Variant type: single nucleotide variant.
Coding change: c.22G>A on transcript NM_032581.4 (MANE Select); coding-DNA position 22, G replaced by A.
Protein change: p.Val8Ile; replaces valine 8 with isoleucine.
Molecular consequence: missense variant.
Genome position (GRCh38, 1-based): chr7:22,991,090, C>T on the plus strand (G>A on the coding strand, the complement: HYCC1 is on the minus strand). VCF-style: chr7-22991090-C-T. GRCh37 (hg19) VCF-style: chr7-23030709-C-T.
Other names: c.22G>A, p.Val8Ile (NM_001363466.2, NM_001363467.2); short protein forms V8I.
Identifiers: ClinVar variation 2169468 (VCV002169468.4), dbSNP rs143026242, ClinGen allele CA4186138.
Genomic context (GRCh38, chr7:22,991,090, plus strand): 5'-ATAATTACTATAGTAGAACAGTAAATATTACCTTAAACTCTGACAACCATTCCTCCACAA[C>T]CCCTTTCTCTGAAGTAAACATTTTTCCACATCTGTTCTAAACCTTCAACCTGAAAATTAA-3'
Protein context (NP_115970.2, residues 1-18): MFTSEKG[Val8Ile]VEEWLSEFKT

ClinVar aggregate classification (germline): Uncertain significance (1 of 4 stars; one submission).

Conditions:
Hypomyelination and Congenital Cataract (HLD5). Also called: hypomyelinating leukodystrophy 5. Identifiers: Orphanet 85163, MedGen C1864663, MONDO:0012514, OMIM 610532.

Allele frequency attached by ClinVar (database versions not stated): ExAC 0.00001; gnomAD 0.00001; gnomAD exomes 0.00002; TOPMed 0.00002; ESP Exome Variant Server 0.00023.
gnomAD v4.1: 26 of 1,610,360 alleles (0.0016%); highest among the groups gnomAD compares: Non-Finnish European, 0.0022%; no homozygotes.

Submission:

Labcorp Genetics (formerly Invitae), Labcorp
Classification: Uncertain significance for Hypomyelination and Congenital Cataract. Last evaluated: 2026-01-19. Review status: criteria provided, single submitter. Criteria: Invitae Variant Classification Sherloc (09022015). Collection method: clinical testing. Allele origin: germline.
Comment: This sequence change replaces valine, which is neutral and non-polar, with isoleucine, which is neutral and non-polar, at codon 8 of the FAM126A protein (p.Val8Ile). This variant is present in population databases (rs143026242, gnomAD 0.0009%). This variant has not been reported in the literature in individuals affected with FAM126A-related conditions. ClinVar contains an entry for this variant (Variation ID: 2169468). Invitae Evidence Modeling of protein sequence and biophysical properties (such as structural, functional, and spatial information, amino acid conservation, physicochemical variation, residue mobility, and thermodynamic stability) indicates that this missense variant is not expected to disrupt FAM126A protein function with a negative predictive value of 80%. In summary, the available evidence is currently insufficient to determine the role of this variant in disease. Therefore, it has been classified as a Variant of Uncertain Significance.